The following is an entry in ClinVar:

ClinVar aggregate classification (germline): Conflicting classifications of pathogenicity. Review status: criteria provided, conflicting classifications (1 of 4 stars). 4 submissions from 4 submitters: Pathogenic (1); Uncertain significance (3). Last evaluated 2026-01-21.

Conditions:
PCDH15-related disorder. Also called: PCDH15-related disorders; PCDH15-related condition.
Autosomal recessive nonsyndromic hearing loss 23. Identifiers: Orphanet 90636, MedGen C1836027, MONDO:0012293, OMIM 609533.

Submissions (4):

PreventionGenetics, part of Exact Sciences
Classification: Uncertain significance for PCDH15-related condition. Last evaluated: 2026-01-21. Review status: criteria provided, single submitter. Criteria: ACMG Guidelines, 2015. Collection method: clinical testing. Allele origin: germline.
Comment: The PCDH15 c.4673_4676delTTAG variant is predicted to result in a frameshift and premature protein termination (p.Val1558Glufs*3). This variant occurs in the last exon of the biologically relevant transcript for hearing loss (NM_001142769). While a single truncating variant in this exon (c.4542dup, p.Pro1515Thrfs*4) has been reported to segregate with autosomal recessive hearing loss in three affected and four unaffected individuals from two families (Pepermans et al. 2014. PubMed ID: 24940003), no truncating variants downstream of this position have been convincingly associated with disease. To our knowledge, this variant has not been reported in the literature. This variant is reported in 0.011% of alleles in individuals of European (Non-Finnish) descent in gnomAD. At this time, the clinical significance of this variant is uncertain due to the absence of conclusive functional and genetic evidence.

King Laboratory, University of Washington
Classification: Pathogenic for Autosomal recessive nonsyndromic hearing loss 23. Last evaluated: 2023-02-28. Review status: criteria provided, single submitter. Criteria: Li et al. (Genet Med. 2022). Collection method: research. Allele origin: unknown. Affected: yes.
Comment: This variant is a 4bp deletion that causes a frameshift which is predicted to lead to the addition of 3 incorrect amino acids and introduce an early stop at position 1560 of the otherwise 1783 amino acid length protein. Only the PDCH15 isoform critical to hearing, and not the others, would be changed by this variant (PMID: 32747562, 24940003). As of January 2023, this variant has been reported previously in an individual with hearing loss and is currently classified as a variant of unknown significance to ClinVar, and it is found in 13 heterozygous individuals on gnomAD. Based on the prediction that this variant leads to a truncated protein and goodness of fit of genotype to phenotype, we conclude that this variant is pathogenic.

Blueprint Genetics
Classification: Uncertain significance. Last evaluated: 2023-02-16. Review status: criteria provided, single submitter. Criteria: ACMG Guidelines, 2015. Collection method: clinical testing. Allele origin: germline.

Laboratory for Molecular Medicine, Mass General Brigham Personalized Medicine
Classification: Uncertain significance. Last evaluated: 2016-09-22. Review status: criteria provided, single submitter. Criteria: LMM Criteria. Collection method: clinical testing. Allele origin: germline. Observed: 2 variant alleles.
Comment: The p.Val1558fs variant in PCDH15 has been reported in two individuals with hear ing loss; however, a variant affecting the remaining copy of PCDH15 was not iden tified in any of these individuals (Sloan-Heggen 2016, LMM data). This variant h as been identified in 8/66278 European chromosomes by the Exome Aggregation Cons ortium (ExAC; dbSNP rs483353074); however, its f requency is not high enough to rule out a pathogenic role. This variant affects the coding region of only one minor transcript of the PCDH15 gene, and is predic ted to cause a frameshift, which alters the protein?s amino acid sequence beginn ing at position 1558 and leads to a premature termination codon 3 amino acids do wnstream in a minor isoform of the protein. This termination codon occurs within the terminal 50 bases of the last exon, likely to escape nonsense mediated deca y (NMD) and result in a truncated protein. The functional impact of this truncat ion is unclear. In summary, the clinical significance of the p.Val1558fs variant is uncertain.

Literature cited by the submitters: PubMed 36633841 (cited by King Laboratory, University of Washington); PubMed 26969326 (cited by Laboratory for Molecular Medicine, Mass General Brigham Personalized Medicine).

NM_001384140.1(PCDH15):c.4671+1164_4671+1167del

Gene: PCDH15 (protocadherin related 15; minus strand). Cytogenetic location: 10q21.1.
Variant type: Deletion.
Coding change: c.4671+1164_4671+1167del on transcript NM_001384140.1 (MANE Select); bases 1164 to 1167 of the intron after coding-DNA position 4671, 4 bases deleted (TTAG; older notation c.4671+1164_4671+1167delTTAG).
Molecular consequence: intron variant. On other transcripts: frameshift variant (2), 3 prime UTR variant (1).
Genome position (GRCh38, 1-based): chr10:53,809,389-53,809,392, CTAA deleted on the plus strand (TTAG on the coding strand, the reverse complement: PCDH15 is on the minus strand); deleting any 4 consecutive bases within chr10:53,809,389-53,809,394 gives the same sequence; the c. name uses the placement nearest the transcript's 3' end. VCF-style (leftmost placement, unchanged base first): chr10-53809388-TCTAA-T. GRCh37 (hg19) VCF-style: chr10-55569148-TCTAA-T.
Other names: c.4671_4674delAGTT, p.Val1558Glufs (NM_001142769.4); c.*88_*91del (NM_001142770.3); c.4652_4655del, p.Val1551fs (NM_001354411.2); c.4476+1164_4476+1167del (NM_001354420.2); c.4605+1164_4605+1167del (NM_001354429.2); c.4482+1164_4482+1167del (NM_001142772.2); c.4497+1164_4497+1167del (NM_001142771.2); short protein forms V1551fs, V1558fs.
Identifiers: ClinVar variation 44034 (VCV000044034.8), dbSNP rs483353074, ClinGen allele CA133435.